The following is an entry in ClinVar:

NM_152564.5(VPS13B):c.6470C>A (p.Ser2157Ter)

Gene: VPS13B (vacuolar protein sorting 13 homolog B; plus strand). Cytogenetic location: 8q22.2.
Variant type: single nucleotide variant.
Coding change: c.6470C>A on transcript NM_152564.5 (MANE Select); coding-DNA position 6470, C replaced by A.
Protein change: p.Ser2157Ter; replaces serine 2157 with a stop codon.
Molecular consequence: nonsense.
Genome position (GRCh38, 1-based): chr8:99,717,186, C>A. VCF-style: chr8-99717186-C-A. GRCh37 (hg19) VCF-style: chr8-100729414-C-A.
Other names: c.6545C>A, p.Ser2182Ter (NM_017890.5); short protein forms S2157*, S2182*.
Identifiers: ClinVar variation 370444 (VCV000370444.9), dbSNP rs1057516494, ClinGen allele CA16041244.
Genomic context (GRCh38, chr8:99,717,186, plus strand): 5'-TTTTGATAAGGATGAATTATATACTCTTCTGTATTTTTTTTTCAGGCATAATTCTTGGGT[C>A]ATCATTTCTACTCAGTATAAACGATTTTCTCCTTAAAACAAGTCTCAAAGAAAGAAGCCG-3'

ClinVar aggregate classification (germline): Pathogenic/Likely pathogenic. Review status: criteria provided, multiple submitters, no conflicts (2 of 4 stars). 3 submissions from 3 submitters: Pathogenic (1); Likely pathogenic (1). 1 of the submissions does not count toward it. Last evaluated 2025-08-19.

Conditions:
Cohen syndrome (COH1). Also called: Cutis verticis gyrata, retinitis pigmentosa, and sensorineural deafness; PEPPER SYNDROME. Identifiers: Orphanet 193, MedGen C0265223, MONDO:0008999, OMIM 216550.

Allele frequency attached by ClinVar (database versions not stated): gnomAD exomes below 0.00001.
gnomAD v4.1: 1 of 1,613,090 alleles (0.000062%); highest among the groups gnomAD compares: South Asian, 0.0011%; no homozygotes.

Submissions (3):

Natera, Inc.
Classification: Likely pathogenic for Cohen syndrome. Last evaluated: 2025-08-19. Review status: criteria provided, single submitter. Criteria: Natera Variant Classification Schema (03/2026). Collection method: clinical testing. Allele origin: germline.
Comment: The c.6545C>A variant in VPS13B is a nonsense variant predicted to introduce a stop codon at amino acid 2182. This variant is expected to result in nonsense mediated decay, truncation, or a dysfunctional protein product. This variant is rare in the general population with a frequency below the threshold expected for the associated phenotype(s). Given the available evidence, this variant is classified as Likely Pathogenic.

Labcorp Genetics (formerly Invitae), Labcorp
Classification: Pathogenic for Cohen syndrome. Last evaluated: 2021-07-14. Review status: criteria provided, single submitter. Criteria: Invitae Variant Classification Sherloc (09022015). Collection method: clinical testing. Allele origin: germline.
Comment: This variant is not present in population databases (ExAC no frequency). This sequence change creates a premature translational stop signal (p.Ser2182*) in the VPS13B gene. It is expected to result in an absent or disrupted protein product. Loss-of-function variants in VPS13B are known to be pathogenic (PMID: 15141358, 16648375, 20461111). For these reasons, this variant has been classified as Pathogenic. This variant has not been reported in the literature in individuals with VPS13B-related conditions. ClinVar contains an entry for this variant (Variation ID: 370444).

Counsyl
Classification: Likely pathogenic for Cohen syndrome. Last evaluated: 2016-02-10. Review status: no assertion criteria provided. Collection method: clinical testing. Allele origin: unknown. Not counted in ClinVar's aggregate classification.

Literature cited by the submitters: PubMed 15141358 (cited by Labcorp Genetics (formerly Invitae), Labcorp); PubMed 16648375 (cited by Labcorp Genetics (formerly Invitae), Labcorp); PubMed 20461111 (cited by Labcorp Genetics (formerly Invitae), Labcorp).